The following is an entry in ClinVar:

ClinVar aggregate classification (germline): Uncertain significance (1 of 4 stars; one submission).

Submission:

CeGaT Center for Human Genetics Tuebingen
Classification: Uncertain significance. Last evaluated: 2025-05-01. Review status: criteria provided, single submitter. Criteria: CeGaT Center For Human Genetics Tuebingen Variant Classification Criteria Version 2. Collection method: clinical testing. Allele origin: germline. Affected: yes. Observed: 1 variant allele.
Comment: TNXB: PM2

NM_001365276.2(TNXB):c.11629G>C (p.Val3877Leu)

Genes: TNXB (tenascin XB; minus strand), LOC106780803 (tenascin XB recombination region; plus strand). Cytogenetic location: 6p21.33.
Variant type: single nucleotide variant.
Coding change: c.11629G>C on transcript NM_001365276.2 (MANE Select); coding-DNA position 11629, G replaced by C.
Protein change: p.Val3877Leu; replaces valine 3877 with leucine.
Molecular consequence: missense variant.
Genome position (GRCh38, 1-based): chr6:32,043,458, C>G on the plus strand (G>C on the coding strand, the complement: TNXB is on the minus strand). VCF-style: chr6-32043458-C-G. GRCh37 (hg19) VCF-style: chr6-32011235-C-G.
Other names: c.12370G>C, p.Val4124Leu (NM_001428335.1); c.11623G>C, p.Val3875Leu (NM_019105.8); c.916G>C, p.Val306Leu (NM_032470.4); short protein forms V306L, V3875L, V3877L, V4124L.
Identifiers: ClinVar variation 3905113 (VCV003905113.10).
Genomic context (GRCh38, chr6:32,043,458, plus strand): 5'-CCTGAACAAGTCCCCTCCAGAGGCCTCAGGCCTGCTCACCCCCAGGGGCTGTGACCTGGA[C>G]GTCATAGGTGTCCACAGGATTCTGGGGGGGCTTCCAGTGCAGCACGGCGAATCCCTCGGT-3'
Protein context (NP_001352205.1, residues 3867-3887): PPQNPVDTYD[Val3877Leu]QVTAPGAPPL